The following is an entry in ClinVar:

NM_001083961.2(WDR62):c.2466A>G (p.Pro822=)

Gene: WDR62 (WD repeat domain 62; plus strand). Cytogenetic location: 19q13.12.
Variant type: single nucleotide variant.
Coding change: c.2466A>G on transcript NM_001083961.2 (MANE Select); coding-DNA position 2466, A replaced by G.
Protein change: p.Pro822=; no amino-acid change (proline 822 retained).
Molecular consequence: synonymous variant.
Genome position (GRCh38, 1-based): chr19:36,094,163, A>G. VCF-style: chr19-36094163-A-G. GRCh37 (hg19) VCF-style: chr19-36585065-A-G.
Other names: c.2466A>G, p.Pro822= (NM_001411146.1, NM_173636.5); c.2115A>G, p.Pro705= (NM_001411147.1); c.2451A>G, p.Pro817= (NM_001411145.1).
Identifiers: ClinVar variation 4293638 (VCV004293638.1).
Genomic context (GRCh38, chr19:36,094,163, plus strand): 5'-GGAGGAAGAGTGTGAGCCAGAAGAGATGCTGAAGACACCATCCAAAGATAGCTTGGATCC[A>G]GGTTGGAAAAGGGGCCCTATTTTGAACTATGTCAGTGTAGGGAATCATTGCTGGGTTTTG-3'
Protein context (NP_001077430.1, residues 812-832): LKTPSKDSLD[Pro822=]DPRCLLTNGK

ClinVar aggregate classification (germline): Uncertain significance (1 of 4 stars; one submission).

Conditions:
Microcephaly 2, primary, autosomal recessive, with or without cortical malformations. Also called: WDR62 Primary Microcephaly; MICROCEPHALY 2, PRIMARY, AUTOSOMAL RECESSIVE, WITH CORTICAL MALFORMATIONS. Identifiers: Orphanet 2512, MedGen C1858535, MONDO:0011435, OMIM 604317.

gnomAD v4.1: 2 of 1,613,916 alleles (0.00012%); highest among the groups gnomAD compares: Non-Finnish European, 0.00017%; no homozygotes.

Submission:

3billion
Classification: Uncertain significance for Microcephaly 2, primary, autosomal recessive, with or without cortical malformations. Last evaluated: 2024-10-15. Review status: criteria provided, single submitter. Criteria: ACMG Guidelines, 2015. Collection method: clinical testing. Allele origin: germline. Affected: yes.
Comment: The variant is observed at an extremely low frequency in the gnomAD v4.1.0 dataset (total allele frequency: <0.001%). Predicted Consequence/Location: Synonymous variant In silico tools predict the variant to alter splicing and produce an abnormal transcript [SpliceAI: 0.76 (>=0.2, moderate evidence for spliceogenicity)]. Therefore, this variant is classified as VUS according to the recommendation of ACMG/AMP guideline.